The following is an entry in ClinVar:

ClinVar aggregate classification (germline): Conflicting classifications of pathogenicity. Review status: criteria provided, conflicting classifications (1 of 4 stars). 4 submissions from 4 submitters: Uncertain significance (2); Likely benign (2). Last evaluated 2024-03-18.

Conditions:
Hereditary cancer-predisposing syndrome. Also called: Neoplastic Syndromes, Hereditary; Tumor predisposition; Hereditary Cancer Syndrome; Hereditary neoplastic syndrome. Identifiers: Orphanet 140162, MedGen C0027672, MeSH D009386, MONDO:0015356.
Hereditary breast ovarian cancer syndrome. Also called: Hereditary breast and/or ovarian cancer syndrome; BRCA1- and BRCA2-Associated Hereditary Breast and Ovarian Cancer; Hereditary breast and ovarian cancer syndrome; Hereditary breast and ovarian cancer; Hereditary breast and ovarian cancer syndrome (HBOC); Breast and ovarian cancer. Identifiers: Orphanet 145, MedGen C0677776, MeSH D061325, MONDO:0003582. Disease mechanism: loss of function.

Allele frequency attached by ClinVar (database versions not stated): gnomAD exomes below 0.00001.
gnomAD v4.1: 2 of 1,608,452 alleles (0.00012%); highest among the groups gnomAD compares: African/African-American, 0.0027%; no homozygotes.

Submissions (4):

Color Diagnostics, LLC DBA Color Health
Classification: Uncertain significance for Hereditary cancer-predisposing syndrome. Last evaluated: 2024-03-18. Review status: criteria provided, single submitter. Criteria: ACMG Guidelines, 2015. Collection method: clinical testing. Allele origin: germline.
Comment: This missense variant replaces cysteine with serine at codon 616 of the BRCA2 protein. Computational prediction suggests that this variant may not impact protein structure and function. To our knowledge, functional studies have not been reported for this variant. This variant has not been reported in individuals affected with BRCA2-related disorders in the literature, but has been reported in an unaffected individual (PMID: 33471991; Leiden Open Variation Database DB-ID BRCA2_007898). This variant has been identified in 1/243010 chromosomes in the general population by the Genome Aggregation Database (gnomAD). The available evidence is insufficient to determine the role of this variant in disease conclusively. Therefore, this variant is classified as a Variant of Uncertain Significance.

Labcorp Genetics (formerly Invitae), Labcorp
Classification: Uncertain significance for Hereditary breast ovarian cancer syndrome. Last evaluated: 2023-12-13. Review status: criteria provided, single submitter. Criteria: Invitae Variant Classification Sherloc (09022015). Collection method: clinical testing. Allele origin: germline.
Comment: This sequence change replaces cysteine, which is neutral and slightly polar, with serine, which is neutral and polar, at codon 616 of the BRCA2 protein (p.Cys616Ser). This variant is present in population databases (no rsID available, gnomAD 0.007%). This variant has not been reported in the literature in individuals affected with BRCA2-related conditions. ClinVar contains an entry for this variant (Variation ID: 820191). Advanced modeling of protein sequence and biophysical properties (such as structural, functional, and spatial information, amino acid conservation, physicochemical variation, residue mobility, and thermodynamic stability) performed at Invitae indicates that this missense variant is not expected to disrupt BRCA2 protein function with a negative predictive value of 95%. In summary, the available evidence is currently insufficient to determine the role of this variant in disease. Therefore, it has been classified as a Variant of Uncertain Significance.

University of Washington Department of Laboratory Medicine, University of Washington
Classification: Likely benign for Hereditary cancer-predisposing syndrome. Last evaluated: 2023-03-23. Review status: criteria provided, single submitter. Criteria: Dines et al. (Genet Med. 2020). Collection method: curation. Allele origin: germline.
Comment: Missense variant in a coldspot region where missense variants are very unlikely to be pathogenic (PMID:31911673).

BRCA2 exon 10 coldspot. Reclassification based on statistical prior probability.

Ambry Genetics
Classification: Likely benign for Hereditary cancer-predisposing syndrome. Last evaluated: 2019-02-26. Review status: criteria provided, single submitter. Criteria: Ambry Variant Classification Scheme 2023. Collection method: clinical testing. Allele origin: germline.

Literature cited by the submitters: PubMed 33471991 (cited by Color Diagnostics, LLC DBA Color Health).

NM_000059.4(BRCA2):c.1847G>C (p.Cys616Ser)

Gene: BRCA2 (BRCA2 DNA repair associated; plus strand). Cytogenetic location: 13q13.1.
Variant type: single nucleotide variant.
Coding change: c.1847G>C on transcript NM_000059.4 (MANE Select); coding-DNA position 1847, G replaced by C.
Protein change: p.Cys616Ser; replaces cysteine 616 with serine.
Molecular consequence: missense variant.
Genome position (GRCh38, 1-based): chr13:32,333,325, G>C. VCF-style: chr13-32333325-G-C. GRCh37 (hg19) VCF-style: chr13-32907462-G-C.
Other names: short protein forms C616S.
Identifiers: ClinVar variation 820191 (VCV000820191.14), dbSNP rs1230674723, ClinGen allele CA387766350.